The following is an entry in ClinVar:

ClinVar aggregate classification (germline): Uncertain significance (1 of 4 stars; one submission).

Conditions:
Familial thoracic aortic aneurysm and aortic dissection (TAAD). Also called: Thoracic aortic aneurysms and dissections. Identifiers: Orphanet 91387, MedGen C4707243, MONDO:0019625.

Submission:

Ambry Genetics
Classification: Uncertain significance for Familial thoracic aortic aneurysm and aortic dissection. Last evaluated: 2017-11-29. Review status: criteria provided, single submitter. Criteria: Ambry Variant Classification Scheme 2023. Collection method: clinical testing. Allele origin: germline.
Comment: The p.Q2148R variant (also known as c.6443A>G), located in coding exon 44 of the MED12 gene, results from an A to G substitution at nucleotide position 6443. The glutamine at codon 2148 is replaced by arginine, an amino acid with highly similar properties. This amino acid position is highly conserved in available vertebrate species. In addition, this alteration is predicted to be tolerated by in silico analysis. Since supporting evidence is limited at this time, the clinical significance of this alteration remains unclear.

NM_005120.3(MED12):c.6443A>G (p.Gln2148Arg)

Gene: MED12 (mediator complex subunit 12; plus strand). Cytogenetic location: Xq13.1.
Variant type: single nucleotide variant.
Coding change: c.6443A>G on transcript NM_005120.3 (MANE Select); coding-DNA position 6443, A replaced by G.
Protein change: p.Gln2148Arg; replaces glutamine 2148 with arginine.
Molecular consequence: missense variant.
Genome position (GRCh38, 1-based): chrX:71,141,917, A>G. VCF-style: chrX-71141917-A-G. GRCh37 (hg19) VCF-style: chrX-70361767-A-G.
Other names: short protein forms Q2148R.
Identifiers: ClinVar variation 589598 (VCV000589598.5), dbSNP rs1569482852, ClinGen allele CA413544019.